The following is an entry in ClinVar:

ClinVar aggregate classification (germline): Pathogenic (1 of 4 stars; one submission).

Submission:

GeneDx
Classification: Pathogenic. Last evaluated: 2017-09-13. Review status: criteria provided, single submitter. Criteria: GeneDx Variant Classification (06012015). Collection method: clinical testing. Allele origin: germline. Affected: yes.
Comment: The c.2873delA variant in the SMC1A gene has not been reported previously as a pathogenic variant nor as a benign variant, to our knowledge. The c.2873delA variant causes a frameshift starting with codon Glutamine 958, changes this amino acid to an Arginine residue, and creates a premature Stop codon at position 6 of the new reading frame, denoted p.Gln958ArgfsX6. This variant is predicted to cause loss of normal protein function either through protein truncation or nonsense-mediated mRNA decay. The c.2873delA variant is not observed in large population cohorts (Lek et al., 2016; 1000 Genomes Consortium et al., 2015; Exome Variant Server). We interpret c.2873delA as a pathogenic variant,

NM_006306.4(SMC1A):c.2873del (p.Gln958fs)

Gene: SMC1A (structural maintenance of chromosomes 1A; minus strand). Cytogenetic location: Xp11.22.
Variant type: Deletion.
Coding change: c.2873del on transcript NM_006306.4 (MANE Select); coding-DNA position 2873, one base deleted (A; older notation c.2873delA).
Protein change: p.Gln958fs; shifts the reading frame from glutamine 958.
Molecular consequence: frameshift variant.
Genome position (GRCh38, 1-based): chrX:53,394,878, T deleted on the plus strand (A on the coding strand, the reverse complement: SMC1A is on the minus strand). VCF-style (leftmost placement, unchanged base first): chrX-53394877-CT-C. GRCh37 (hg19) VCF-style: chrX-53421797-CT-C.
Other names: c.2807del, p.Gln936fs (NM_001281463.1); short protein forms Q936fs, Q958fs.
Identifiers: ClinVar variation 451879 (VCV000451879.2), dbSNP rs1556887777, ClinGen allele CA658658993.